The following is an entry in ClinVar:

ClinVar aggregate classification (germline): Uncertain significance. Review status: criteria provided, multiple submitters, no conflicts (2 of 4 stars). 3 submissions from 3 submitters: Uncertain significance (2). 1 of the submissions does not count toward it. Last evaluated 2025-09-21.

Conditions:
NR0B2-related disorder. Also called: NR0B2-related condition.

gnomAD v4.1: 107 of 1,613,254 alleles (0.0066%); highest among the groups gnomAD compares: Middle Eastern, 0.017%; no homozygotes.

Submissions (3):

Labcorp Genetics (formerly Invitae), Labcorp
Classification: Uncertain significance. Last evaluated: 2025-09-21. Review status: criteria provided, single submitter. Criteria: Invitae Variant Classification Sherloc (09022015). Collection method: clinical testing. Allele origin: germline.
Comment: This sequence change replaces alanine, which is neutral and non-polar, with valine, which is neutral and non-polar, at codon 145 of the NR0B2 protein (p.Ala145Val). This variant is present in population databases (rs778073494, gnomAD 0.006%). This variant has not been reported in the literature in individuals affected with NR0B2-related conditions. ClinVar contains an entry for this variant (Variation ID: 2596292). Invitae Evidence Modeling of protein sequence and biophysical properties (such as structural, functional, and spatial information, amino acid conservation, physicochemical variation, residue mobility, and thermodynamic stability) indicates that this missense variant is not expected to disrupt NR0B2 protein function with a negative predictive value of 80%. In summary, the available evidence is currently insufficient to determine the role of this variant in disease. Therefore, it has been classified as a Variant of Uncertain Significance.

Ambry Genetics
Classification: Uncertain significance. Last evaluated: 2025-08-10. Review status: criteria provided, single submitter. Criteria: Ambry Variant Classification Scheme 2023. Collection method: clinical testing. Allele origin: germline.

PreventionGenetics, part of Exact Sciences
Classification: Uncertain significance for NR0B2-related condition. Last evaluated: 2024-03-01. Review status: no assertion criteria provided. Collection method: clinical testing. Allele origin: germline. Not counted in ClinVar's aggregate classification.
Comment: The NR0B2 c.434C>T variant is predicted to result in the amino acid substitution p.Ala145Val. To our knowledge, this variant has not been reported in the literature. This variant is reported in 0.0054% of alleles in individuals of European (Non-Finnish) descent in gnomAD. At this time, the clinical significance of this variant is uncertain due to the absence of conclusive functional and genetic evidence.

NM_021969.3(NR0B2):c.434C>T (p.Ala145Val)

Genes: NR0B2 (nuclear receptor subfamily 0 group B member 2; minus strand), NUDC (nuclear distribution C, dynein complex regulator; plus strand). Cytogenetic location: 1p36.11.
Variant type: single nucleotide variant.
Coding change: c.434C>T on transcript NM_021969.3 (MANE Select); coding-DNA position 434, C replaced by T.
Protein change: p.Ala145Val; replaces alanine 145 with valine.
Molecular consequence: missense variant.
Genome position (GRCh38, 1-based): chr1:26,913,507, G>A on the plus strand (C>T on the coding strand, the complement: NR0B2 is on the minus strand). VCF-style: chr1-26913507-G-A. GRCh37 (hg19) VCF-style: chr1-27239998-G-A.
Other names: short protein forms A145V.
Identifiers: ClinVar variation 2596292 (VCV002596292.8), dbSNP rs778073494, ClinGen allele CA709648.